The following is an entry in ClinVar:

ClinVar aggregate classification (germline): Uncertain significance (1 of 4 stars; one submission).

Conditions:
Hypertrophic cardiomyopathy 11. Also called: ACTC1-Related Familial Hypertrophic Cardiomyopathy. Identifiers: MedGen C2677506, MONDO:0012799, OMIM 612098.
Atrial septal defect 5 (ASD5). Identifiers: Orphanet 1478, MedGen C2748552, MONDO:0013011, OMIM 612794.
Dilated cardiomyopathy 1R (CMD1R). Identifiers: Orphanet 154, Orphanet 54260, MedGen C3150681, MONDO:0013261, OMIM 613424.

Submission:

Labcorp Genetics (formerly Invitae), Labcorp
Classification: Uncertain significance for Dilated cardiomyopathy 1R; Hypertrophic cardiomyopathy 11; Atrial septal defect 5. Last evaluated: 2019-07-26. Review status: criteria provided, single submitter. Criteria: Invitae Variant Classification Sherloc (09022015). Collection method: clinical testing. Allele origin: germline.
Comment: In summary, the available evidence is currently insufficient to determine the role of this variant in disease. Therefore, it has been classified as a Variant of Uncertain Significance. Algorithms developed to predict the effect of sequence changes on RNA splicing suggest that this variant may create or strengthen a splice site, but this prediction has not been confirmed by published transcriptional studies. Algorithms developed to predict the effect of missense changes on protein structure and function (SIFT, PolyPhen-2, Align-GVGD) all suggest that this variant is likely to be tolerated, but these predictions have not been confirmed by published functional studies and their clinical significance is uncertain. This variant has not been reported in the literature in individuals with ACTC1-related conditions. This variant is not present in population databases (ExAC no frequency). This sequence change replaces isoleucine with valine at codon 331 of the ACTC1 protein (p.Ile331Val). The isoleucine residue is highly conserved and there is a small physicochemical difference between isoleucine and valine.

NM_005159.5(ACTC1):c.991A>G (p.Ile331Val)

Genes: ACTC1 (actin alpha cardiac muscle 1; minus strand), GJD2-DT (GJD2 divergent transcript; plus strand). Cytogenetic location: 15q14.
Variant type: single nucleotide variant.
Coding change: c.991A>G on transcript NM_005159.5 (MANE Select); coding-DNA position 991, A replaced by G.
Protein change: p.Ile331Val; replaces isoleucine 331 with valine.
Molecular consequence: missense variant.
Genome position (GRCh38, 1-based): chr15:34,790,555, T>C on the plus strand (A>G on the coding strand, the complement: ACTC1 is on the minus strand). VCF-style: chr15-34790555-T-C. GRCh37 (hg19) VCF-style: chr15-35082756-T-C.
Other names: short protein forms I331V.
Identifiers: ClinVar variation 956465 (VCV000956465.9), dbSNP rs730880405, ClinGen allele CA391629258.
Genomic context (GRCh38, chr15:34,790,555, plus strand): 5'-GAGAGGCCAGGATGGAGCCCCCAATCCAGACAGAGTATTTACGCTCAGGGGGAGCAATAA[T>C]CTGCAGAAAGAAAACAAAAACTTCCAGTGAACTCTGAAGTTCCAAGCAAGGGAGCAAATA-3'
Protein context (NP_005150.1, residues 321-341): ALAPSTMKIK[Ile331Val]IAPPERKYSV